The following is an entry in ClinVar:

ClinVar aggregate classification (germline): Uncertain significance (1 of 4 stars; one submission).

Submission:

Labcorp Genetics (formerly Invitae), Labcorp
Classification: Uncertain significance. Last evaluated: 2020-06-07. Review status: criteria provided, single submitter. Criteria: Invitae Variant Classification Sherloc (09022015). Collection method: clinical testing. Allele origin: germline.
Comment: This variant has not been reported in the literature in individuals with REST-related conditions. Algorithms developed to predict the effect of missense changes on protein structure and function output the following: SIFT: "Tolerated"; PolyPhen-2: "Benign"; Align-GVGD: "Class C0". The serine amino acid residue is found in multiple mammalian species, suggesting that this missense change does not adversely affect protein function. These predictions have not been confirmed by published functional studies and their clinical significance is uncertain. Algorithms developed to predict the effect of sequence changes on RNA splicing suggest that this variant may create or strengthen a splice site, but this prediction has not been confirmed by published transcriptional studies. In summary, the available evidence is currently insufficient to determine the role of this variant in disease. Therefore, it has been classified as a Variant of Uncertain Significance. This variant is not present in population databases (ExAC no frequency). This sequence change replaces asparagine with serine at codon 925 of the REST protein (p.Asn925Ser). The asparagine residue is moderately conserved and there is a small physicochemical difference between asparagine and serine.

NM_005612.5(REST):c.2774A>G (p.Asn925Ser)

Gene: REST (RE1 silencing transcription factor; plus strand). Cytogenetic location: 4q12.
Variant type: single nucleotide variant.
Coding change: c.2774A>G on transcript NM_005612.5 (MANE Select); coding-DNA position 2774, A replaced by G.
Protein change: p.Asn925Ser; replaces asparagine 925 with serine.
Molecular consequence: missense variant.
Genome position (GRCh38, 1-based): chr4:56,931,632, A>G. VCF-style: chr4-56931632-A-G. GRCh37 (hg19) VCF-style: chr4-57797798-A-G.
Other names: c.2774A>G, p.Asn925Ser (NM_001193508.2, NM_001363453.3); short protein forms N925S.
Identifiers: ClinVar variation 1064268 (VCV001064268.9), dbSNP rs2109578523, ClinGen allele CA357009503.